The following is an entry in ClinVar:

NM_003073.5(SMARCB1):c.988G>A (p.Glu330Lys)

Gene: SMARCB1 (SWI/SNF related BAF chromatin remodeling complex subunit B1; plus strand). Cytogenetic location: 22q11.23.
Variant type: single nucleotide variant.
Coding change: c.988G>A on transcript NM_003073.5 (MANE Select); coding-DNA position 988, G replaced by A.
Protein change: p.Glu330Lys; replaces glutamic acid 330 with lysine.
Molecular consequence: missense variant.
Genome position (GRCh38, 1-based): chr22:23,833,573, G>A. VCF-style: chr22-23833573-G-A. GRCh37 (hg19) VCF-style: chr22-24175760-G-A.
Other names: c.961G>A, p.Glu321Lys (NM_001007468.3); c.1015G>A, p.Glu339Lys (NM_001317946.2); c.1042G>A, p.Glu348Lys (NM_001362877.2); short protein forms E321K, E330K, E339K, E348K.
Identifiers: ClinVar variation 2482362 (VCV002482362.6), dbSNP rs2146041617, ClinGen allele CA410912835.

ClinVar aggregate classification (germline): Uncertain significance. Review status: criteria provided, multiple submitters, no conflicts (2 of 4 stars). 2 submissions from 2 submitters: Uncertain significance (2). Last evaluated 2025-02-14.

Conditions:
Hereditary cancer-predisposing syndrome. Also called: Neoplastic Syndromes, Hereditary; Hereditary neoplastic syndrome; Tumor predisposition; Hereditary Cancer Syndrome. Identifiers: Orphanet 140162, MedGen C0027672, MeSH D009386, MONDO:0015356.

Allele frequency attached by ClinVar (database versions not stated): gnomAD exomes below 0.00001.
gnomAD v4.1: 1 of 1,614,196 alleles (0.000062%); no homozygotes.

Submissions (2):

Ambry Genetics
Classification: Uncertain significance for Hereditary cancer-predisposing syndrome. Last evaluated: 2025-02-14. Review status: criteria provided, single submitter. Criteria: Ambry Variant Classification Scheme 2023. Collection method: clinical testing. Allele origin: germline.
Comment: The p.E330K variant (also known as c.988G>A), located in coding exon 8 of the SMARCB1 gene, results from a G to A substitution at nucleotide position 988. The glutamic acid at codon 330 is replaced by lysine, an amino acid with similar properties. This amino acid position is highly conserved in available vertebrate species. In addition, this alteration is predicted to be deleterious by in silico analysis. Based on the available evidence, the clinical significance of this variant remains unclear.

Labcorp Genetics (formerly Invitae), Labcorp
Classification: Uncertain significance. Last evaluated: 2022-12-04. Review status: criteria provided, single submitter. Criteria: Invitae Variant Classification Sherloc (09022015). Collection method: clinical testing. Allele origin: germline.
Comment: In summary, the available evidence is currently insufficient to determine the role of this variant in disease. Therefore, it has been classified as a Variant of Uncertain Significance. Algorithms developed to predict the effect of sequence changes on RNA splicing suggest that this variant may create or strengthen a splice site. Algorithms developed to predict the effect of missense changes on protein structure and function are either unavailable or do not agree on the potential impact of this missense change (SIFT: "Tolerated"; PolyPhen-2: "Possibly Damaging"; Align-GVGD: "Class C0"). This variant has not been reported in the literature in individuals affected with SMARCB1-related conditions. This variant is not present in population databases (gnomAD no frequency). This sequence change replaces glutamic acid, which is acidic and polar, with lysine, which is basic and polar, at codon 330 of the SMARCB1 protein (p.Glu330Lys).